The following is an entry in ClinVar:

ClinVar aggregate classification (germline): Benign/Likely benign. Review status: criteria provided, multiple submitters, no conflicts (2 of 4 stars). 5 submissions from 5 submitters: Benign (2); Likely benign (3). Last evaluated 2025-12-03.

Conditions:
3-hydroxy-3-methylglutaryl-CoA synthase deficiency (HMGCS2D). Also called: MITOCHONDRIAL HMG-CoA SYNTHASE DEFICIENCY; HMG-CoA synthase-2 deficiency; HMGCS2 DEFICIENCY. Identifiers: Orphanet 35701, MedGen C2751532, MONDO:0011614, OMIM 605911.

Allele frequency attached by ClinVar (database versions not stated): TOPMed 0.00017; gnomAD 0.00020 and 0.00064; ESP Exome Variant Server 0.00038; gnomAD exomes 0.00181; ExAC 0.00189; 1000 Genomes Project 30x 0.00375; 1000 Genomes Project 0.00399.

Submissions (5):

Labcorp Genetics (formerly Invitae), Labcorp
Classification: Benign for 3-hydroxy-3-methylglutaryl-CoA synthase deficiency. Last evaluated: 2025-12-03. Review status: criteria provided, single submitter. Criteria: Invitae Variant Classification Sherloc (09022015). Collection method: clinical testing. Allele origin: germline.

Illumina Laboratory Services, Illumina
Classification: Benign for 3-hydroxy-3-methylglutaryl-CoA synthase deficiency. Last evaluated: 2018-01-13. Review status: criteria provided, single submitter. Criteria: ICSL Variant Classification Criteria 13 December 2019. Collection method: clinical testing. Allele origin: germline.
Comment: This variant was observed in the ICSL laboratory as part of a predisposition screen in an ostensibly healthy population. It had not been previously curated by ICSL or reported in the Human Gene Mutation Database (HGMD: prior to June 1st, 2018), and was therefore a candidate for classification through an automated scoring system. Utilizing variant allele frequency, disease prevalence and penetrance estimates, and inheritance mode, an automated score was calculated to assess if this variant is too frequent to cause the disease. Based on the score and internal cut-off values, a variant classified as benign is not then subjected to further curation. The score for this variant resulted in a classification of benign for this disease.

GeneDx
Classification: Likely benign. Last evaluated: 2017-05-23. Review status: criteria provided, single submitter. Criteria: GeneDx Variant Classification (06012015). Collection method: clinical testing. Allele origin: germline. Affected: yes.
Comment: This variant is considered likely benign or benign based on one or more of the following criteria: it is a conservative change, it occurs at a poorly conserved position in the protein, it is predicted to be benign by multiple in silico algorithms, and/or has population frequency not consistent with disease.

Center for Pediatric Genomic Medicine, Children's Mercy Hospital and Clinics
Classification: Likely benign. Last evaluated: 2017-01-26. Review status: criteria provided, single submitter. Criteria: ACMG Guidelines, 2015. Collection method: clinical testing. Allele origin: germline.
ClinVar note: Converted during submission from Likely Benign to Likely benign.

Breakthrough Genomics
Classification: Likely benign. Review status: criteria provided, single submitter. Criteria: ACMG Guidelines, 2015. Collection method: not provided. Allele origin: germline. Inheritance: Autosomal recessive inheritance. Affected: yes.

NM_005518.4(HMGCS2):c.1124C>G (p.Ser375Cys)

Gene: HMGCS2 (3-hydroxy-3-methylglutaryl-CoA synthase 2; minus strand). Cytogenetic location: 1p12.
Variant type: single nucleotide variant.
Coding change: c.1124C>G on transcript NM_005518.4 (MANE Select); coding-DNA position 1124, C replaced by G.
Protein change: p.Ser375Cys; replaces serine 375 with cysteine.
Molecular consequence: missense variant.
Genome position (GRCh38, 1-based): chr1:119,755,490, G>C on the plus strand (C>G on the coding strand, the complement: HMGCS2 is on the minus strand). VCF-style: chr1-119755490-G-C. GRCh37 (hg19) VCF-style: chr1-120298113-G-C.
Other names: c.998C>G, p.Ser333Cys (NM_001166107.1); short protein forms S333C, S375C.
Identifiers: ClinVar variation 292332 (VCV000292332.17), dbSNP rs151328418, ClinGen allele CA1037674.